The following is an entry in ClinVar:

ClinVar aggregate classification (germline): Uncertain significance (1 of 4 stars; one submission).

Conditions:
Neuropathy, hereditary sensory and autonomic, type 2A (HSAN2A). Also called: ACROOSTEOLYSIS, GIACCAI TYPE; ACROOSTEOLYSIS, NEUROGENIC; MORVAN DISEASE; NEUROPATHY, CONGENITAL SENSORY; NEUROPATHY, HEREDITARY SENSORY RADICULAR, AUTOSOMAL RECESSIVE; NEUROPATHY, HEREDITARY SENSORY, TYPE IIA. Identifiers: Orphanet 970, MedGen C2752089, MONDO:0024309, OMIM 201300.
Pseudohypoaldosteronism type 2C (PHA2C). Also called: Pseudohypoaldosteronism Type IIC. Identifiers: Orphanet 757, Orphanet 88940, MedGen C1840391, MONDO:0013778, OMIM 614492.

gnomAD v4.1: 1 of 1,613,774 alleles (0.000062%); highest among the groups gnomAD compares: Middle Eastern, 0.017%; no homozygotes.

Submission:

Labcorp Genetics (formerly Invitae), Labcorp
Classification: Uncertain significance for Neuropathy, hereditary sensory and autonomic, type 2A; Pseudohypoaldosteronism type 2C. Last evaluated: 2023-07-07. Review status: criteria provided, single submitter. Criteria: Invitae Variant Classification Sherloc (09022015). Collection method: clinical testing. Allele origin: germline.
Comment: In summary, the available evidence is currently insufficient to determine the role of this variant in disease. Therefore, it has been classified as a Variant of Uncertain Significance. Advanced modeling of protein sequence and biophysical properties (such as structural, functional, and spatial information, amino acid conservation, physicochemical variation, residue mobility, and thermodynamic stability) performed at Invitae indicates that this missense variant is not expected to disrupt WNK1 protein function. This variant has not been reported in the literature in individuals affected with WNK1-related conditions. This variant is not present in population databases (gnomAD no frequency). This sequence change replaces threonine, which is neutral and polar, with alanine, which is neutral and non-polar, at codon 1367 of the WNK1 protein (p.Thr1367Ala).

NM_018979.4(WNK1):c.3343A>G (p.Thr1115Ala)

Gene: WNK1 (WNK lysine deficient protein kinase 1; plus strand). Cytogenetic location: 12p13.33.
Variant type: single nucleotide variant.
Coding change: c.3343A>G on transcript NM_018979.4 (MANE Select); coding-DNA position 3343, A replaced by G.
Protein change: p.Thr1115Ala; replaces threonine 1115 with alanine.
Molecular consequence: missense variant.
Genome position (GRCh38, 1-based): chr12:882,044, A>G. VCF-style: chr12-882044-A-G. GRCh37 (hg19) VCF-style: chr12-991210-A-G.
Other names: c.4123A>G, p.Thr1375Ala (NM_001184985.2); c.2602A>G, p.Thr868Ala (NM_014823.3); c.4099A>G, p.Thr1367Ala (NM_213655.5); short protein forms T868A, T1115A, T1367A, T1375A.
Identifiers: ClinVar variation 2934544 (VCV002934544.3), dbSNP rs1274017950, ClinGen allele CA383328328.